The following is an entry in ClinVar:

ClinVar aggregate classification (germline): Uncertain significance (1 of 4 stars; one submission).

Allele frequency attached by ClinVar (database versions not stated): TOPMed below 0.00001; gnomAD 0.00001; gnomAD exomes 0.00001.
gnomAD v4.1: 6 of 1,612,930 alleles (0.00037%); highest among the groups gnomAD compares: Non-Finnish European, 0.00051%; no homozygotes.

Submission:

Labcorp Genetics (formerly Invitae), Labcorp
Classification: Uncertain significance. Last evaluated: 2023-03-20. Review status: criteria provided, single submitter. Criteria: Invitae Variant Classification Sherloc (09022015). Collection method: clinical testing. Allele origin: germline.
Comment: This sequence change replaces proline, which is neutral and non-polar, with alanine, which is neutral and non-polar, at codon 753 of the GGCX protein (p.Pro753Ala). This variant is present in population databases (no rsID available, gnomAD 0.002%). This variant has not been reported in the literature in individuals affected with GGCX-related conditions. ClinVar contains an entry for this variant (Variation ID: 1392313). An algorithm developed to predict the effect of missense changes on protein structure and function (PolyPhen-2) suggests that this variant is likely to be tolerated. In summary, the available evidence is currently insufficient to determine the role of this variant in disease. Therefore, it has been classified as a Variant of Uncertain Significance.

NM_000821.7(GGCX):c.2257C>G (p.Pro753Ala)

Gene: GGCX (gamma-glutamyl carboxylase; minus strand). Cytogenetic location: 2p11.2.
Variant type: single nucleotide variant.
Coding change: c.2257C>G on transcript NM_000821.7 (MANE Select); coding-DNA position 2257, C replaced by G.
Protein change: p.Pro753Ala; replaces proline 753 with alanine.
Molecular consequence: missense variant.
Genome position (GRCh38, 1-based): chr2:85,549,954, G>C on the plus strand (C>G on the coding strand, the complement: GGCX is on the minus strand). VCF-style: chr2-85549954-G-C. GRCh37 (hg19) VCF-style: chr2-85777077-G-C.
Other names: c.2086C>G, p.Pro696Ala (NM_001142269.4); short protein forms P696A, P753A.
Identifiers: ClinVar variation 1392313 (VCV001392313.6), dbSNP rs1346239859, ClinGen allele CA347480874.